The following is an entry in ClinVar:

NM_001127222.2(CACNA1A):c.2039_2040del (p.Gln680fs)

Gene: CACNA1A (calcium voltage-gated channel subunit alpha1 A; minus strand). Cytogenetic location: 19p13.13.
Variant type: Deletion.
Coding change: c.2039_2040del on transcript NM_001127222.2 (MANE Select); coding-DNA positions 2039 to 2040, 2 bases deleted (AG; older notation c.2039_2040delAG).
Protein change: p.Gln680fs; shifts the reading frame from glutamine 680.
Molecular consequence: frameshift variant.
Genome position (GRCh38, 1-based): chr19:13,303,831-13,303,832, CT deleted on the plus strand (AG on the coding strand, the reverse complement: CACNA1A is on the minus strand). VCF-style (leftmost placement, unchanged base first): chr19-13303830-CCT-C. GRCh37 (hg19) VCF-style: chr19-13414644-CCT-C.
Other names: c.2042_2043del, p.Gln681fs (NM_000068.4, NM_001127221.2, NM_001174080.2 and 1 more transcripts); c.2039_2040delAG (NM_001127222.1); c.2042_2043delAG (NM_001127221.1); short protein forms Q680fs, Q681fs.
Identifiers: ClinVar variation 420056 (VCV000420056.68), dbSNP rs1064794262, ClinGen allele CA16620794.

ClinVar aggregate classification (germline): Pathogenic/Likely pathogenic. Review status: criteria provided, multiple submitters, no conflicts (2 of 4 stars). 15 submissions from 15 submitters: Pathogenic (13); Likely pathogenic (1). 1 of the submissions does not count toward it. Last evaluated 2025-05-01.

Conditions:
Developmental and epileptic encephalopathy, 42 (DEE42A). Also called: DEVELOPMENTAL AND EPILEPTIC ENCEPHALOPATHY 42A; EPILEPTIC ENCEPHALOPATHY, EARLY INFANTILE, 42A; Epileptic encephalopathy, early infantile, 42. Identifiers: MedGen C4310716, MONDO:0014917, OMIM 617106.
Episodic ataxia type 2 (EA2). Also called: ATAXIA, EPISODIC, WITH NYSTAGMUS; ATAXIA, FAMILIAL PAROXYSMAL; CEREBELLAR ATAXIA, PAROXYSMAL, ACETAZOLAMIDE-RESPONSIVE; CEREBELLOPATHY, HEREDITARY PAROXYSMAL; ACETAZOLAMIDE-RESPONSIVE HEREDITARY PAROXYSMAL CEREBELLAR ATAXIA; EPISODIC ATAXIA, NYSTAGMUS-ASSOCIATED. Identifiers: Orphanet 97, MedGen C1720416, MONDO:0007163, OMIM 108500.
Inborn genetic diseases. Identifiers: MedGen C0950123, MeSH D030342.
Autosomal dominant CACNA1A-related disorders.
CACNA1A-related disorder. Also called: CACNA1A-related condition.
Spinocerebellar ataxia type 6 (SCA6). Identifiers: Orphanet 98758, MedGen C0752124, MONDO:0008457, OMIM 183086.
Migraine, familial hemiplegic, 1. Also called: MIGRAINE, FAMILIAL HEMIPLEGIC 1, WITH PROGRESSIVE CEREBELLAR ATAXIA. Identifiers: Orphanet 569, MedGen C1832884, MONDO:0020756, OMIM 141500, MONDO:0007714.
Bulbar palsy. Identifiers: MedGen C4082299, HP:0001283.
Recurrent respiratory infections. Identifiers: MedGen C3806482, HP:0002205.
Epileptic encephalopathy. Identifiers: MedGen C0543888, HP:0200134.

Allele frequency attached by ClinVar (database versions not stated): gnomAD exomes below 0.00001.

Submissions (15):

Variantyx, Inc.
Classification: Pathogenic for Autosomal dominant CACNA1A-related disorders. Last evaluated: 2025-05-01. Review status: criteria provided, single submitter. Criteria: Variantyx Assertion Criteria 2022. Collection method: clinical testing. Allele origin: de novo. Inheritance: Autosomal dominant inheritance. Affected: yes.
Comment: This is a frameshift variant in the CACNA1A gene (OMIM: 601011). Pathogenic variants in this gene have been associated with autosomal dominant CACNA1A-related disorders. This variant likely occurred de novo in individuals reported in the published literature; however, the possibility of parental germline mosaicism cannot be excluded (PMID: 12420090, 33425808) (PS2_Moderate). This variant introduces a premature termination codon in exon 19 out of 47and is expected to result in loss of function, which is a known disease mechanism for CACNA1A in this disorder (PMID: 10371528, 19486177, 25735478, 27250579) (PVS1). It has been previously reported in at least 2 unrelated affected individuals (PMID: 28566750, 20129625) (PS4_Moderate) and observed to segregate with disease in at least three individuals from one family (PMID: 20129625) (PP1). This variant has a 0.0002% maximum allele frequency in non-founder control populations (PM2). Based on the current evidence, this variant is classified as pathogenic for autosomal dominant CACNA1A-related disorders.

Center of Human Genetics, Hôpital Erasme
Classification: Pathogenic for Developmental and epileptic encephalopathy, 42. Last evaluated: 2025-01-01. Review status: criteria provided, single submitter. Criteria: ACMG Guidelines, 2015. Collection method: clinical testing. Allele origin: inherited. Affected: yes.

Ambry Genetics
Classification: Pathogenic for Inborn genetic diseases. Last evaluated: 2024-02-13. Review status: criteria provided, single submitter. Criteria: Ambry Variant Classification Scheme 2023. Collection method: clinical testing. Allele origin: germline.
Comment: The c.2042_2043delAG (p.Q681Rfs*100) alteration, located in exon 16 (coding exon 16) of the CACNA1A gene, consists of a deletion of 2 nucleotides from position 2042 to 2043, causing a translational frameshift with a predicted alternate stop codon after 100 amino acids. This alteration is expected to result in loss of function by premature protein truncation or nonsense-mediated mRNA decay._x000D_ _x000D_ for episodic ataxia, type 2; however, its clinical significance for CACNA1A-related neurologic disorder is uncertain, and it is unlikely to be causative of CACNA1A-related spinocerebellar ataxia. Based on data from gnomAD, this allele has an overall frequency of <0.001% (1/249250) total alleles studied. The highest observed frequency was 0.001% (1/113012) of European (non-Finnish) alleles. This variant was reported in multiple individuals with recurrent episodes of ataxia and has been shown to segregate with disease in one family with varying severities of episodic ataxia type 2 (Denier, 1999; Kim, 2006; Mantuano, 2010; Sintas, 2017). Additionally, this variant has been determined to be the result of a de novo mutation in two individuals with episodic ataxia and nystagmus (van den Maagdenberg, 2002; Zhang, 2020). Based on the available evidence, this alteration is classified as pathogenic.

Labcorp Genetics (formerly Invitae), Labcorp
Classification: Pathogenic for Developmental and epileptic encephalopathy, 42; Episodic ataxia type 2. Last evaluated: 2023-08-17. Review status: criteria provided, single submitter. Criteria: Invitae Variant Classification Sherloc (09022015). Collection method: clinical testing. Allele origin: germline.
Comment: This variant is also known as "deletion AG 2259-60" and c.2145_2148delAG. This premature translational stop signal has been observed in individual(s) with episodic ataxia type 2 (PMID: 10371528, 12420090, 20129625, 20396531, 28566750). In at least one individual the variant was observed to be de novo. It has also been observed to segregate with disease in related individuals. This variant is present in population databases (no rsID available, gnomAD 0.0009%). This sequence change creates a premature translational stop signal (p.Gln681Argfs*100) in the CACNA1A gene. It is expected to result in an absent or disrupted protein product. Loss-of-function variants in CACNA1A are known to be pathogenic (PMID: 10371528, 19486177, 25735478, 27250579). ClinVar contains an entry for this variant (Variation ID: 420056). For these reasons, this variant has been classified as Pathogenic.

PreventionGenetics, part of Exact Sciences
Classification: Pathogenic for CACNA1A-related condition. Last evaluated: 2023-08-17. Review status: criteria provided, single submitter. Criteria: ACMG Guidelines, 2015. Collection method: clinical testing. Allele origin: germline.
Comment: The CACNA1A c.2039_2040delAG variant is predicted to result in a frameshift and premature protein termination (p.Gln680Argfs*100). This variant is alternatively referred to as c.2042_2043delAG (p.Gln681Argfs*100). This variant has been reported de novo in an individual from an intellectual disability cohort (Table S2, Lelieveld et al. 2016. PubMed ID: 27479843). It has also been reported in three individuals with episodic ataxia; in one of these individuals the variant was confirmed to have arisen de novo (referred to as c.2137_2318delAG, Family 2, Figure 1, van den Maagdenberg et al. 2002. PubMed ID: 12420090; Table 1, Sintas et al. 2017. PubMed ID: 28566750; Table 1, Zhang et al. 2020. PubMed ID: 33425808). One individual with episodic ataxia that harbored this variant also exhibited nystagmus, and language developmental delay, but was not reported to have seizures (Table 1, Zhang et al. 2020. PubMed ID: 33425808). It has also been reported in an individual undergoing exome sequencing (Table S2, Turro et al. 2020. PubMed ID: 32581362). This variant is reported in 1 of ~249,000 alleles in gnomAD. Frameshift variants in CACNA1A are expected to be pathogenic. This variant is interpreted as pathogenic.

Athena Diagnostics
Classification: Pathogenic. Last evaluated: 2023-06-23. Review status: criteria provided, single submitter. Criteria: Athena Diagnostics Criteria. Collection method: clinical testing. Allele origin: unknown.
Comment: This variant is expected to result in the loss of a functional protein. The frequency of this variant in the general population is consistent with pathogenicity. This variant associates with episodic ataxia in multiple families and has been confirmed to occur de novo in one individual.

Blueprint Genetics
Classification: Pathogenic for CACNA1A-related disorders. Last evaluated: 2023-04-17. Review status: criteria provided, single submitter. Criteria: ACMG Guidelines, 2015. Collection method: clinical testing. Allele origin: germline. Affected: yes. Observed: 1 variant allele.

Greenwood Genetic Center Diagnostic Laboratories, Greenwood Genetic Center
Classification: Pathogenic for Episodic ataxia type 2. Last evaluated: 2022-10-25. Review status: criteria provided, single submitter. Criteria: ACMG Guidelines, 2015. Collection method: clinical testing. Allele origin: germline. Affected: yes.
Comment: PVS1, PS4_Moderate, PM2

Institute of Human Genetics, University of Leipzig Medical Center
Classification: Likely pathogenic for Developmental and epileptic encephalopathy, 42. Last evaluated: 2022-03-30. Review status: criteria provided, single submitter. Criteria: ACMG Guidelines, 2015. Collection method: clinical testing. Allele origin: maternal. Affected: yes.
Comment: _x000D_ Criteria applied: PVS1, PS4_MOD, PS2_SUP

GeneDx
Classification: Pathogenic. Last evaluated: 2022-03-09. Review status: criteria provided, single submitter. Criteria: GeneDx Variant Classification Process June 2021. Collection method: clinical testing. Allele origin: germline. Affected: yes.
Comment: Frameshift variant predicted to result in protein truncation or nonsense mediated decay in a gene for which loss-of-function is a known mechanism of disease; Not observed at a significant frequency in large population cohorts (gnomAD); This variant is associated with the following publications: (PMID: 27479843, 20396531, 27667184, 20129625, 28566750, 11960817, 32581362, 10371528, 12420090)

MGZ Medical Genetics Center
Classification: Pathogenic for Developmental and epileptic encephalopathy, 42. Last evaluated: 2022-02-10. Review status: criteria provided, single submitter. Criteria: ACMG Guidelines, 2015. Collection method: clinical testing. Allele origin: germline. Affected: yes. Observed: 1 variant allele.
Comment: ACMG criteria applied: PVS1, PS4, PS2_MOD, PM2_SUP

CeGaT Center for Human Genetics Tuebingen
Classification: Pathogenic. Last evaluated: 2021-01-01. Review status: criteria provided, single submitter. Criteria: CeGaT Center For Human Genetics Tuebingen Variant Classification Criteria Version 2. Collection method: clinical testing. Allele origin: germline. Affected: yes. Observed: 1 variant allele.

Revvity Omics, Revvity
Classification: Pathogenic. Last evaluated: 2019-10-31. Review status: criteria provided, single submitter. Criteria: ACMG Guidelines, 2015. Collection method: clinical testing. Allele origin: germline.

Juno Genomics, Hangzhou Juno Genomics, Inc
Classification: Pathogenic for Developmental and epileptic encephalopathy, 42; Episodic ataxia type 2; Migraine, familial hemiplegic, 1; Spinocerebellar ataxia type 6. Review status: criteria provided, single submitter. Criteria: ACMG Guidelines, 2015. Collection method: clinical testing. Allele origin: germline. Affected: yes.
Comment: Absent from controls (or at extremely low frequency if recessive) in Genome Aggregation Database.;Null variant in a gene where loss of function (LOF) is a known mechanism of disease.;The prevalence of the variant in affected individuals is significantly increased compared to the prevalence in controls.;Assumed de novo, but without confirmation of paternity and maternity.;Co-segregation with disease in multiple affected family members.

NIHR Bioresource Rare Diseases, University of Cambridge
Classification: Likely pathogenic for Bulbar palsy; Recurrent respiratory infections; Epileptic encephalopathy. Review status: no assertion criteria provided. Collection method: research. Allele origin: unknown. Affected: yes. Observed: 1 variant allele. Not counted in ClinVar's aggregate classification.

Literature cited by the submitters: PubMed 10371528 (cited by 3 submitters); PubMed 19486177 (cited by Variantyx, Inc. and Labcorp Genetics (formerly Invitae), Labcorp); PubMed 25735478 (cited by Variantyx, Inc. and Labcorp Genetics (formerly Invitae), Labcorp); PubMed 27250579 (cited by Variantyx, Inc. and Labcorp Genetics (formerly Invitae), Labcorp); PubMed 20129625 (cited by 3 submitters); PubMed 28566750 (cited by 4 submitters); PubMed 12420090 (cited by 4 submitters); PubMed 33425808 (cited by 3 submitters); PubMed 20396531 (cited by 3 submitters); PubMed 32581362 (cited by Athena Diagnostics and NIHR Bioresource Rare Diseases, University of Cambridge); PubMed 35837781 (cited by Athena Diagnostics).